The following is an entry in ClinVar:

NM_139318.5(KCNH5):c.1291A>G (p.Thr431Ala)

Gene: KCNH5 (potassium voltage-gated channel subfamily H member 5; minus strand). Cytogenetic location: 14q23.2.
Variant type: single nucleotide variant.
Coding change: c.1291A>G on transcript NM_139318.5 (MANE Select); coding-DNA position 1291, A replaced by G.
Protein change: p.Thr431Ala; replaces threonine 431 with alanine.
Molecular consequence: missense variant.
Genome position (GRCh38, 1-based): chr14:62,950,211, T>C on the plus strand (A>G on the coding strand, the complement: KCNH5 is on the minus strand). VCF-style: chr14-62950211-T-C. GRCh37 (hg19) VCF-style: chr14-63416929-T-C.
Other names: c.1291A>G, p.Thr431Ala (NM_172375.3); short protein forms T431A.
Identifiers: ClinVar variation 4737857 (VCV004737857.1).
Genomic context (GRCh38, chr14:62,950,211, plus strand): 5'-CCACCGAAAACATCTTCTCCACATCTGTGGTAGGAGCTATGTTTCCAAATCCTATGGTTG[T>C]AAGGCTTGTCATGGTAAAGTAGAGAGAGGACACGTACAATGAATCCTTGCTGGGTCCTCC-3'
Protein context (NP_647479.2, residues 421-441): SSLYFTMTSL[Thr431Ala]TIGFGNIAPT

ClinVar aggregate classification (germline): Uncertain significance (1 of 4 stars; one submission).

Conditions:
Early-infantile DEE. Also called: Early infantile epileptic encephalopathy; Early infantile epileptic encephalopathy with suppression bursts; Ohtahara syndrome. Identifiers: Orphanet 1934, MedGen C0393706, MONDO:0800491.

gnomAD v4.1: 1 of 1,613,952 alleles (0.000062%); highest among the groups gnomAD compares: Non-Finnish European, 0.000085%; no homozygotes.

Submission:

Labcorp Genetics (formerly Invitae), Labcorp
Classification: Uncertain significance for Early-infantile DEE. Last evaluated: 2025-06-12. Review status: criteria provided, single submitter. Criteria: Invitae Variant Classification Sherloc (09022015). Collection method: clinical testing. Allele origin: germline.
Comment: This sequence change replaces threonine, which is neutral and polar, with alanine, which is neutral and non-polar, at codon 431 of the KCNH5 protein (p.Thr431Ala). This variant is not present in population databases (gnomAD no frequency). This variant has not been reported in the literature in individuals affected with KCNH5-related conditions. Invitae Evidence Modeling of protein sequence and biophysical properties (such as structural, functional, and spatial information, amino acid conservation, physicochemical variation, residue mobility, and thermodynamic stability) indicates that this missense variant is expected to disrupt KCNH5 protein function with a positive predictive value of 80%. In summary, the available evidence is currently insufficient to determine the role of this variant in disease. Therefore, it has been classified as a Variant of Uncertain Significance.